The following is an entry in ClinVar:

NM_000535.7(PMS2):c.2345A>T (p.Asp782Val)

Gene: PMS2 (PMS1 homolog 2, mismatch repair system component; minus strand). Cytogenetic location: 7p22.1.
Variant type: single nucleotide variant.
Coding change: c.2345A>T on transcript NM_000535.7 (MANE Select); coding-DNA position 2345, A replaced by T.
Protein change: p.Asp782Val; replaces aspartic acid 782 with valine.
Molecular consequence: missense variant. On other transcripts: non-coding transcript variant (1).
Genome position (GRCh38, 1-based): chr7:5,977,688, T>A on the plus strand (A>T on the coding strand, the complement: PMS2 is on the minus strand). VCF-style: chr7-5977688-T-A. GRCh37 (hg19) VCF-style: chr7-6017319-T-A.
Other names: c.1940A>T, p.Asp647Val (NM_001322003.2, NM_001322004.2, NM_001322005.2); c.2189A>T, p.Asp730Val (NM_001322006.2); c.2027A>T, p.Asp676Val (NM_001322007.2, NM_001322008.2); c.1973A>T, p.Asp658Val (NM_001322009.2); c.1784A>T, p.Asp595Val (NM_001322010.2); c.1412A>T, p.Asp471Val (NM_001322011.2, NM_001322012.2); c.1772A>T, p.Asp591Val (NM_001322013.2); c.2378A>T, p.Asp793Val (NM_001322014.2); and 1 more; short protein forms D782V, D471V, D676V, D647V, D658V, D679V, D730V, D591V.
Identifiers: ClinVar variation 525829 (VCV000525829.8), dbSNP rs745500014, ClinGen allele CA366735902.

ClinVar aggregate classification (germline): Uncertain significance (1 of 4 stars; one submission).

Conditions:
Hereditary nonpolyposis colorectal neoplasms. Identifiers: MedGen C0009405, MeSH D003123.

Submission:

Labcorp Genetics (formerly Invitae), Labcorp
Classification: Uncertain significance for Hereditary nonpolyposis colorectal neoplasms. Last evaluated: 2020-10-06. Review status: criteria provided, single submitter. Criteria: Invitae Variant Classification Sherloc (09022015). Collection method: clinical testing. Allele origin: germline.
Comment: This sequence change replaces aspartic acid with valine at codon 782 of the PMS2 protein (p.Asp782Val). The aspartic acid residue is highly conserved and there is a large physicochemical difference between aspartic acid and valine. This variant is not present in population databases (ExAC no frequency). This variant has not been reported in the literature in individuals with PMS2-related conditions. ClinVar contains an entry for this variant (Variation ID: 525829). Algorithms developed to predict the effect of missense changes on protein structure and function (SIFT, PolyPhen-2, Align-GVGD) all suggest that this variant is likely to be disruptive, but these predictions have not been confirmed by published functional studies and their clinical significance is uncertain. In summary, the available evidence is currently insufficient to determine the role of this variant in disease. Therefore, it has been classified as a Variant of Uncertain Significance.